The following is an entry in ClinVar:

ClinVar aggregate classification (germline): Uncertain significance (1 of 4 stars; one submission).

Conditions:
Congenital primary aphakia. Also called: Anterior segment dysgenesis 2, multiple subtypes; ANTERIOR SEGMENT DYSGENESIS 2. Identifiers: Orphanet 83461, MedGen C1853230, MONDO:0012456, OMIM 610256.
Anterior segment dysgenesis. Also called: Ocular anterior segment dysgenesis. Identifiers: Orphanet 88632, MedGen C1862839, MONDO:0019503, HP:0007700.

Submission:

Labcorp Genetics (formerly Invitae), Labcorp
Classification: Uncertain significance for Anterior segment dysgenesis; Congenital primary aphakia. Last evaluated: 2026-02-04. Review status: criteria provided, single submitter. Criteria: Invitae Variant Classification Sherloc (09022015). Collection method: clinical testing. Allele origin: germline.
Comment: This sequence change replaces serine, which is neutral and polar, with tryptophan, which is neutral and slightly polar, at codon 75 of the FOXE3 protein (p.Ser75Trp). This variant is not present in population databases (gnomAD no frequency). This variant has not been reported in the literature in individuals affected with FOXE3-related conditions. ClinVar contains an entry for this variant (Variation ID: 3761853). Invitae Evidence Modeling of protein sequence and biophysical properties (such as structural, functional, and spatial information, amino acid conservation, physicochemical variation, residue mobility, and thermodynamic stability) indicates that this missense variant is expected to disrupt FOXE3 protein function with a positive predictive value of 95%. In summary, the available evidence is currently insufficient to determine the role of this variant in disease. Therefore, it has been classified as a Variant of Uncertain Significance.

NM_012186.3(FOXE3):c.224C>G (p.Ser75Trp)

Genes: FOXE3 (forkhead box E3; plus strand), LINC01389 (long independently transcribed non-coding RNA 1389; minus strand). Cytogenetic location: 1p33.
Variant type: single nucleotide variant.
Coding change: c.224C>G on transcript NM_012186.3 (MANE Select); coding-DNA position 224, C replaced by G.
Protein change: p.Ser75Trp; replaces serine 75 with tryptophan.
Molecular consequence: missense variant.
Genome position (GRCh38, 1-based): chr1:47,416,539, C>G. VCF-style: chr1-47416539-C-G. GRCh37 (hg19) VCF-style: chr1-47882211-C-G.
Other names: short protein forms S75W.
Identifiers: ClinVar variation 3761853 (VCV003761853.2).